The following is an entry in ClinVar:

NM_001042492.3(NF1):c.2034_2035delinsAG (p.Ile679Val)

Gene: NF1 (neurofibromin 1; plus strand). Cytogenetic location: 17q11.2.
Variant type: Indel.
Coding change: c.2034_2035delinsAG on transcript NM_001042492.3 (MANE Select); coding-DNA positions 2034 to 2035, GA replaced by AG.
Protein change: p.Ile679Val; replaces isoleucine 679 with valine.
Molecular consequence: missense variant.
Genome position (GRCh38, 1-based): chr17:31,226,467-31,226,468, GA replaced by AG. VCF-style: chr17-31226467-GA-AG. GRCh37 (hg19) VCF-style: chr17-29553485-GA-AG.
Other names: c.2034_2035delGAinsAG (NM_000267.3); c.2034_2035delGAinsAG, p.Ile679Val (NM_000267.4); short protein forms I679V.
Identifiers: ClinVar variation 943898 (VCV000943898.7), dbSNP rs2067015935, ClinGen allele CA1139665418.

ClinVar aggregate classification (germline): Uncertain significance. Review status: criteria provided, multiple submitters, no conflicts (2 of 4 stars). 2 submissions from 2 submitters: Uncertain significance (2). Last evaluated 2025-09-10.

Conditions:
Neurofibromatosis, type 1 (NF1). Also called: Peripheral type neurofibromatosis; Neurofibromatosis, type I; VON RECKLINGHAUSEN DISEASE; NEUROFIBROMATOSIS, TYPE I, SOMATIC. Identifiers: Orphanet 636, MedGen C0027831, MONDO:0018975, OMIM 162200. Disease mechanism: loss of function.
Hereditary cancer-predisposing syndrome. Also called: Neoplastic Syndromes, Hereditary; Hereditary neoplastic syndrome; Hereditary Cancer Syndrome; Tumor predisposition. Identifiers: Orphanet 140162, MedGen C0027672, MeSH D009386, MONDO:0015356.
Cardiovascular phenotype. Identifiers: MedGen CN230736.

Submissions (2):

Labcorp Genetics (formerly Invitae), Labcorp
Classification: Uncertain significance for Neurofibromatosis, type 1. Last evaluated: 2025-09-10. Review status: criteria provided, single submitter. Criteria: Invitae Variant Classification Sherloc (09022015). Collection method: clinical testing. Allele origin: germline.
Comment: This sequence change replaces isoleucine, which is neutral and non-polar, with valine, which is neutral and non-polar, at codon 679 of the NF1 protein (p.Ile679Val). Information on the frequency of this variant in the gnomAD database is not available, as this variant may be reported differently in the database. This variant has not been reported in the literature in individuals affected with NF1-related conditions. ClinVar contains an entry for this variant (Variation ID: 943898). Experimental studies and prediction algorithms are not available or were not evaluated, and the functional significance of this variant is currently unknown. In summary, the available evidence is currently insufficient to determine the role of this variant in disease. Therefore, it has been classified as a Variant of Uncertain Significance.

Ambry Genetics
Classification: Uncertain significance for Cardiovascular phenotype; Hereditary cancer-predisposing syndrome. Last evaluated: 2024-08-28. Review status: criteria provided, single submitter. Criteria: Ambry Variant Classification Scheme 2023. Collection method: clinical testing. Allele origin: germline.
Comment: The c.2034_2035delGAinsAG variant (also known as p.I679V), located in coding exon 18 of the NF1 gene, results from an in-frame deletion of GA and insertion of AG at nucleotide positions 2034 to 2035. This results in the substitution of the isoleucine residue for a valine residue at codon 679, an amino acid with highly similar properties. This amino acid position is highly conserved in available vertebrate species. In addition, this alteration is predicted to be neutral by in silico analysis (Choi Y et al. PLoS ONE. 2012; 7(10):e46688). Based on the available evidence, the clinical significance of this variant remains unclear.